The following is an entry in ClinVar:

ClinVar aggregate classification (germline): Uncertain significance (1 of 4 stars; one submission).

Conditions:
Age related macular degeneration 2. Also called: MACULAR DEGENERATION, SENILE; MACULOPATHY, AGE-RELATED, 2; MACULOPATHY, AGE-RELATED. Identifiers: MedGen C3495438, MONDO:0007932, OMIM 153800.

Allele frequency attached by ClinVar (database versions not stated): gnomAD exomes below 0.00001.
gnomAD v4.1: 2 of 1,613,818 alleles (0.00012%); highest among the groups gnomAD compares: Non-Finnish European, 0.00017%; no homozygotes.

Submission:

Centre for Mendelian Genomics, University Medical Centre Ljubljana
Classification: Uncertain significance for Age related macular degeneration 2. Last evaluated: 2020-01-14. Review status: criteria provided, single submitter. Criteria: ACMG Guidelines, 2015. Collection method: clinical testing. Allele origin: unknown. Affected: yes.
Comment: This variant was classified as: Uncertain significance. The available evidence on this variant's pathogenicity is insufficient or conflicting. The following ACMG criteria were applied in classifying this variant: PM2,PP2,PP3.

NM_000350.3(ABCA4):c.2318A>G (p.Tyr773Cys)

Gene: ABCA4 (ATP binding cassette subfamily A member 4; minus strand). Cytogenetic location: 1p22.1.
Variant type: single nucleotide variant.
Coding change: c.2318A>G on transcript NM_000350.3 (MANE Select); coding-DNA position 2318, A replaced by G.
Protein change: p.Tyr773Cys; replaces tyrosine 773 with cysteine.
Molecular consequence: missense variant.
Genome position (GRCh38, 1-based): chr1:94,056,665, T>C on the plus strand (A>G on the coding strand, the complement: ABCA4 is on the minus strand). VCF-style: chr1-94056665-T-C. GRCh37 (hg19) VCF-style: chr1-94522221-T-C.
Other names: short protein forms Y773C.
Identifiers: ClinVar variation 930609 (VCV000930609.3), dbSNP rs764727316, ClinGen allele CA341277785.